The following is an entry in ClinVar:

NM_014967.5(FAN1):c.357_358del (p.Glu120fs)

Gene: FAN1 (FANCD2 and FANCI associated nuclease 1; plus strand). Cytogenetic location: 15q13.3.
Variant type: Deletion.
Coding change: c.357_358del on transcript NM_014967.5 (MANE Select); coding-DNA positions 357 to 358, 2 bases deleted (GG; older notation c.357_358delGG).
Protein change: p.Glu120fs; shifts the reading frame from glutamic acid 120.
Molecular consequence: frameshift variant.
Genome position (GRCh38, 1-based): chr15:30,905,020-30,905,021, GG deleted; deleting any 2 consecutive bases within chr15:30,905,019-30,905,021 gives the same sequence; the c. name uses the placement nearest the transcript's 3' end. VCF-style (leftmost placement, unchanged base first): chr15-30905018-AGG-A. GRCh37 (hg19) VCF-style: chr15-31197221-AGG-A.
Other names: c.357_358del, p.Glu120fs (NM_001146094.2, NM_001146095.1, NM_001146096.2); short protein forms E120fs.
Identifiers: ClinVar variation 4846793 (VCV004846793.1).

ClinVar aggregate classification (germline): Likely pathogenic (1 of 4 stars; one submission).

Conditions:
Karyomegalic interstitial nephritis. Identifiers: Orphanet 401996, MedGen C3553774, MONDO:0013898, OMIM 614817.

Submission:

Laboratorio de Genetica e Diagnostico Molecular, Hospital Israelita Albert Einstein
Classification: Likely pathogenic for Karyomegalic interstitial nephritis. Last evaluated: 2025-12-29. Review status: criteria provided, single submitter. Criteria: ACMG Guidelines, 2015. Collection method: clinical testing. Allele origin: germline. Affected: yes.
Comment: ACMG classification criteria: PVS1 very strong, PM2 supporting